The following is an entry in ClinVar:

ClinVar aggregate classification (germline): Uncertain significance (1 of 4 stars; one submission).

gnomAD v4.1: 1 of 1,613,450 alleles (0.000062%); highest among the groups gnomAD compares: South Asian, 0.0011%; no homozygotes.

Submission:

Labcorp Genetics (formerly Invitae), Labcorp
Classification: Uncertain significance. Last evaluated: 2022-10-08. Review status: criteria provided, single submitter. Criteria: Invitae Variant Classification Sherloc (09022015). Collection method: clinical testing. Allele origin: germline.
Comment: This sequence change replaces proline, which is neutral and non-polar, with serine, which is neutral and polar, at codon 546 of the COL11A1 protein (p.Pro546Ser). In summary, the available evidence is currently insufficient to determine the role of this variant in disease. Therefore, it has been classified as a Variant of Uncertain Significance. Advanced modeling of protein sequence and biophysical properties (such as structural, functional, and spatial information, amino acid conservation, physicochemical variation, residue mobility, and thermodynamic stability) performed at Invitae indicates that this missense variant is not expected to disrupt COL11A1 protein function. This variant has not been reported in the literature in individuals affected with COL11A1-related conditions. This variant is not present in population databases (gnomAD no frequency).

NM_001854.4(COL11A1):c.1636C>T (p.Pro546Ser)

Gene: COL11A1 (collagen type XI alpha 1 chain; minus strand). Cytogenetic location: 1p21.1.
Variant type: single nucleotide variant.
Coding change: c.1636C>T on transcript NM_001854.4 (MANE Select); coding-DNA position 1636, C replaced by T.
Protein change: p.Pro546Ser; replaces proline 546 with serine.
Molecular consequence: missense variant. On other transcripts: non-coding transcript variant (1).
Genome position (GRCh38, 1-based): chr1:103,008,510, G>A on the plus strand (C>T on the coding strand, the complement: COL11A1 is on the minus strand). VCF-style: chr1-103008510-G-A. GRCh37 (hg19) VCF-style: chr1-103474066-G-A.
Other names: c.1288C>T, p.Pro430Ser (NM_001168249.1, NM_080630.4); c.1519C>T, p.Pro507Ser (NM_001190709.2); c.1672C>T, p.Pro558Ser (NM_080629.3); short protein forms P430S, P507S, P546S, P558S.
Identifiers: ClinVar variation 1721242 (VCV001721242.5), dbSNP rs777447423, ClinGen allele CA341175598.